The following is an entry in ClinVar:

ClinVar aggregate classification (germline): Uncertain significance. Review status: criteria provided, multiple submitters, no conflicts (2 of 4 stars). 9 submissions from 9 submitters: Uncertain significance (8). 1 of the submissions does not count toward it. Last evaluated 2025-07-21.

Conditions:
Hereditary cancer-predisposing syndrome. Also called: Tumor predisposition; Hereditary neoplastic syndrome; Neoplastic Syndromes, Hereditary; Hereditary Cancer Syndrome. Identifiers: Orphanet 140162, MedGen C0027672, MeSH D009386, MONDO:0015356.
Microcephaly, normal intelligence and immunodeficiency (NBS). Also called: BERLIN BREAKAGE SYNDROME; IMMUNODEFICIENCY, MICROCEPHALY, AND CHROMOSOMAL INSTABILITY; Ataxia telangiectasia variant V1; SEEMANOVA SYNDROME II; Immunodeficiency, microcephaly with normal intelligence; Nijmegen breakage syndrome. Identifiers: Orphanet 647, MedGen C0398791, MONDO:0009623, OMIM 251260.
Aplastic anemia. Identifiers: Orphanet 182040, Orphanet 88, MedGen C0002874, MONDO:0015909, OMIM 609135, HP:0001915.

Allele frequency attached by ClinVar (database versions not stated): gnomAD exomes below 0.00001; gnomAD 0.00001.
gnomAD v4.1: 3 of 1,613,676 alleles (0.00019%); highest among the groups gnomAD compares: Admixed American, 0.0017%; no homozygotes.

Submissions (9):

Labcorp Genetics (formerly Invitae), Labcorp
Classification: Uncertain significance for Microcephaly, normal intelligence and immunodeficiency. Last evaluated: 2025-07-21. Review status: criteria provided, single submitter. Criteria: Invitae Variant Classification Sherloc (09022015). Collection method: clinical testing. Allele origin: germline.
Comment: This sequence change replaces serine, which is neutral and polar, with tyrosine, which is neutral and polar, at codon 454 of the NBN protein (p.Ser454Tyr). This variant is not present in population databases (gnomAD no frequency). This missense change has been observed in individual(s) with breast and ovarian cancer (PMID: 34326862). ClinVar contains an entry for this variant (Variation ID: 136035). An algorithm developed to predict the effect of missense changes on protein structure and function (PolyPhen-2) suggests that this variant is likely to be disruptive. In summary, the available evidence is currently insufficient to determine the role of this variant in disease. Therefore, it has been classified as a Variant of Uncertain Significance.

Institute for Biomarker Research, Medical Diagnostic Laboratories, L.L.C.
Classification: Uncertain significance for Hereditary cancer-predisposing syndrome. Last evaluated: 2024-03-22. Review status: criteria provided, single submitter. Criteria: ACMG Guidelines, 2015. Collection method: clinical testing. Allele origin: germline.

Ambry Genetics
Classification: Uncertain significance for Hereditary cancer-predisposing syndrome. Last evaluated: 2023-12-08. Review status: criteria provided, single submitter. Criteria: Ambry Variant Classification Scheme 2023. Collection method: clinical testing. Allele origin: germline.
Comment: The p.S454Y variant (also known as c.1361C>A), located in coding exon 10 of the NBN gene, results from a C to A substitution at nucleotide position 1361. The serine at codon 454 is replaced by tyrosine, an amino acid with dissimilar properties. This alteration has been reported with a carrier frequency of 1 in 7051 unselected breast cancer patients and 0 in 11241 female controls of Japanese ancestry (Momozawa Y et al. Nat Commun, 2018 10;9:4083). This amino acid position is well conserved in available vertebrate species. In addition, this alteration is predicted to be tolerated by in silico analysis. Since supporting evidence is limited at this time, the clinical significance of this alteration remains unclear.

Women's Health and Genetics/Laboratory Corporation of America, LabCorp
Classification: Uncertain significance. Last evaluated: 2023-11-03. Review status: criteria provided, single submitter. Criteria: LabCorp Variant Classification Summary - May 2015. Collection method: clinical testing. Allele origin: germline.
Comment: Variant summary: NBN c.1361C>A (p.Ser454Tyr) results in a non-conservative amino acid change in the encoded protein sequence. Four of five in-silico tools predict a damaging effect of the variant on protein function. The variant allele was found at a frequency of 4e-06 in 251230 control chromosomes. The available data on variant occurrences in the general population are insufficient to allow any conclusion about variant significance. To our knowledge, no occurrence of c.1361C>A in individuals affected with Nijmegen Breakage Syndrome and no experimental evidence demonstrating its impact on protein function have been reported. Six submitters have cited clinical-significance assessments for this variant to ClinVar after 2014. All submitters classified the variant as uncertain significance. Based on the evidence outlined above, the variant was classified as uncertain significance.

Baylor Genetics
Classification: Uncertain significance for Aplastic anemia. Last evaluated: 2023-09-19. Review status: criteria provided, single submitter. Criteria: ACMG Guidelines, 2015. Collection method: clinical testing. Allele origin: unknown.

Genome-Nilou Lab
Classification: Uncertain significance for Microcephaly, normal intelligence and immunodeficiency. Last evaluated: 2021-11-07. Review status: criteria provided, single submitter. Criteria: ACMG Guidelines, 2015. Collection method: clinical testing. Allele origin: germline. Affected: no.

GeneDx
Classification: Uncertain significance. Last evaluated: 2019-12-24. Review status: criteria provided, single submitter. Criteria: GeneDx Variant Classification Process June 2021. Collection method: clinical testing. Allele origin: germline. Affected: yes.
Comment: Not observed at a significant frequency in large population cohorts (Lek 2016); In silico analysis, which includes protein predictors and evolutionary conservation, supports a deleterious effect; Observed in a cohort of breast cancer cases and was absent from cancer free controls (Momozawa 2018); This variant is associated with the following publications: (PMID: 30287823)

Quest Diagnostics Nichols Institute San Juan Capistrano
Classification: Uncertain significance. Last evaluated: 2019-12-24. Review status: criteria provided, single submitter. Criteria: Quest Diagnostics criteria. Collection method: clinical testing. Allele origin: unknown.

Natera, Inc.
Classification: Uncertain significance for Nijmegen breakage syndrome. Last evaluated: 2020-09-16. Review status: no assertion criteria provided. Collection method: clinical testing. Allele origin: germline. Not counted in ClinVar's aggregate classification.

Literature cited by the submitters: PubMed 34326862 (cited by Labcorp Genetics (formerly Invitae), Labcorp); PubMed 30287823 (cited by Ambry Genetics and Quest Diagnostics Nichols Institute San Juan Capistrano).

NM_002485.5(NBN):c.1361C>A (p.Ser454Tyr)

Gene: NBN (nibrin; minus strand). Cytogenetic location: 8q21.3.
Variant type: single nucleotide variant.
Coding change: c.1361C>A on transcript NM_002485.5 (MANE Select); coding-DNA position 1361, C replaced by A.
Protein change: p.Ser454Tyr; replaces serine 454 with tyrosine.
Molecular consequence: missense variant.
Genome position (GRCh38, 1-based): chr8:89,955,319, G>T on the plus strand (C>A on the coding strand, the complement: NBN is on the minus strand). VCF-style: chr8-89955319-G-T. GRCh37 (hg19) VCF-style: chr8-90967547-G-T.
Other names: c.1115C>A, p.Ser372Tyr (NM_001024688.3); short protein forms S454Y, S372Y.
Identifiers: ClinVar variation 136035 (VCV000136035.27), dbSNP rs587780774, ClinGen allele CA332810.